The following is an entry in ClinVar:

ClinVar aggregate classification (germline): Uncertain significance (1 of 4 stars; one submission).

Allele frequency attached by ClinVar (database versions not stated): gnomAD exomes below 0.00001.
gnomAD v4.1: 1 of 1,613,552 alleles (0.000062%); highest among the groups gnomAD compares: Admixed American, 0.0017%; no homozygotes.

Submission:

Labcorp Genetics (formerly Invitae), Labcorp
Classification: Uncertain significance. Last evaluated: 2021-12-11. Review status: criteria provided, single submitter. Criteria: Invitae Variant Classification Sherloc (09022015). Collection method: clinical testing. Allele origin: germline.
Comment: This variant is not present in population databases (gnomAD no frequency). This sequence change replaces glutamic acid, which is acidic and polar, with aspartic acid, which is acidic and polar, at codon 227 of the ITM2B protein (p.Glu227Asp). This variant has not been reported in the literature in individuals affected with ITM2B-related conditions. Algorithms developed to predict the effect of missense changes on protein structure and function (SIFT, PolyPhen-2, Align-GVGD) all suggest that this variant is likely to be tolerated. In summary, the available evidence is currently insufficient to determine the role of this variant in disease. Therefore, it has been classified as a Variant of Uncertain Significance.

NM_021999.5(ITM2B):c.681A>T (p.Glu227Asp)

Gene: ITM2B (integral membrane protein 2B; plus strand). Cytogenetic location: 13q14.2.
Variant type: single nucleotide variant.
Coding change: c.681A>T on transcript NM_021999.5 (MANE Select); coding-DNA position 681, A replaced by T.
Protein change: p.Glu227Asp; replaces glutamic acid 227 with aspartic acid.
Molecular consequence: missense variant.
Genome position (GRCh38, 1-based): chr13:48,258,913, A>T. VCF-style: chr13-48258913-A-T. GRCh37 (hg19) VCF-style: chr13-48833049-A-T.
Other names: short protein forms E227D.
Identifiers: ClinVar variation 1406930 (VCV001406930.6), dbSNP rs1358779115, ClinGen allele CA388252019.